The following is an entry in ClinVar:

NM_000271.5(NPC1):c.3210C>T (p.Gly1070=)

Gene: NPC1 (NPC intracellular cholesterol transporter 1; minus strand). Cytogenetic location: 18q11.2.
Variant type: single nucleotide variant.
Coding change: c.3210C>T on transcript NM_000271.5 (MANE Select); coding-DNA position 3210, C replaced by T.
Protein change: p.Gly1070=; no amino-acid change (glycine 1070 retained).
Molecular consequence: synonymous variant.
Genome position (GRCh38, 1-based): chr18:23,536,708, G>A on the plus strand (C>T on the coding strand, the complement: NPC1 is on the minus strand). VCF-style: chr18-23536708-G-A. GRCh37 (hg19) VCF-style: chr18-21116672-G-A.
Other names: c.3210C>T (NM_000271.4).
Identifiers: ClinVar variation 2027809 (VCV002027809.5), dbSNP rs2511196695, ClinGen allele CA503322256.

ClinVar aggregate classification (germline): Likely benign. Review status: criteria provided, single submitter (1 of 4 stars). 2 submissions from 2 submitters: Likely benign (1). 1 of the submissions does not count toward it. Last evaluated 2022-08-29.

Conditions:
NPC1-related disorder. Also called: NPC1-related condition.
Niemann-Pick disease, type C1. Also called: NEUROVISCERAL STORAGE DISEASE WITH VERTICAL SUPRANUCLEAR OPHTHALMOPLEGIA; NIEMANN-PICK DISEASE WITH CHOLESTEROL ESTERIFICATION BLOCK; NIEMANN-PICK DISEASE, VARIANT TYPE C1; NIEMANN-PICK DISEASE WITHOUT SPHINGOMYELINASE DEFICIENCY; NIEMANN-PICK DISEASE, CHRONIC NEURONOPATHIC FORM. Identifiers: Orphanet 646, MedGen C3179455, MONDO:0009757, OMIM 257220.

Submissions (2):

Labcorp Genetics (formerly Invitae), Labcorp
Classification: Likely benign for Niemann-Pick disease, type C1. Last evaluated: 2022-08-29. Review status: criteria provided, single submitter. Criteria: Invitae Variant Classification Sherloc (09022015). Collection method: clinical testing. Allele origin: germline.

PreventionGenetics, part of Exact Sciences
Classification: Likely benign for NPC1-related condition. Last evaluated: 2024-07-03. Review status: no assertion criteria provided. Collection method: clinical testing. Allele origin: germline. Not counted in ClinVar's aggregate classification.
Comment: This variant is classified as likely benign based on ACMG/AMP sequence variant interpretation guidelines (Richards et al. 2015 PMID: 25741868, with internal and published modifications).